The following is an entry in ClinVar:

ClinVar aggregate classification (germline): Uncertain significance (1 of 4 stars; one submission).

Allele frequency attached by ClinVar (database versions not stated): ExAC 0.00001; TOPMed 0.00001; gnomAD 0.00002; gnomAD exomes 0.00002.
gnomAD v4.1: 31 of 1,614,052 alleles (0.0019%); highest among the groups gnomAD compares: Non-Finnish European, 0.0025%; no homozygotes.

Submission:

Labcorp Genetics (formerly Invitae), Labcorp
Classification: Uncertain significance. Last evaluated: 2025-09-14. Review status: criteria provided, single submitter. Criteria: Invitae Variant Classification Sherloc (09022015). Collection method: clinical testing. Allele origin: germline.
Comment: This sequence change replaces arginine, which is basic and polar, with tryptophan, which is neutral and slightly polar, at codon 803 of the EFTUD2 protein (p.Arg803Trp). This variant is present in population databases (rs755484427, gnomAD 0.002%). This variant has not been reported in the literature in individuals affected with EFTUD2-related conditions. ClinVar contains an entry for this variant (Variation ID: 1404977). Invitae Evidence Modeling of protein sequence and biophysical properties (such as structural, functional, and spatial information, amino acid conservation, physicochemical variation, residue mobility, and thermodynamic stability) indicates that this missense variant is expected to disrupt EFTUD2 protein function with a positive predictive value of 80%. In summary, the available evidence is currently insufficient to determine the role of this variant in disease. Therefore, it has been classified as a Variant of Uncertain Significance.

NM_004247.4(EFTUD2):c.2407C>T (p.Arg803Trp)

Gene: EFTUD2 (elongation factor Tu GTP binding domain containing 2; minus strand). Cytogenetic location: 17q21.31.
Variant type: single nucleotide variant.
Coding change: c.2407C>T on transcript NM_004247.4 (MANE Select); coding-DNA position 2407, C replaced by T.
Protein change: p.Arg803Trp; replaces arginine 803 with tryptophan.
Molecular consequence: missense variant.
Genome position (GRCh38, 1-based): chr17:44,853,576, G>A on the plus strand (C>T on the coding strand, the complement: EFTUD2 is on the minus strand). VCF-style: chr17-44853576-G-A. GRCh37 (hg19) VCF-style: chr17-42930944-G-A.
Other names: c.2302C>T, p.Arg768Trp (NM_001142605.2); c.2407C>T, p.Arg803Trp (NM_001258353.2); c.2377C>T, p.Arg793Trp (NM_001258354.2); short protein forms R803W, R768W, R793W.
Identifiers: ClinVar variation 1404977 (VCV001404977.8), dbSNP rs755484427, ClinGen allele CA8607483.